The following is an entry in ClinVar:

ClinVar aggregate classification (germline): Uncertain significance (1 of 4 stars; one submission).

Conditions:
Mucopolysaccharidosis type 1. Also called: IDUA deficiency; MPS I; Mucopolysaccharidosis Type I. Identifiers: Orphanet 579, MedGen C0023786, MONDO:0001586.

Submission:

Labcorp Genetics (formerly Invitae), Labcorp
Classification: Uncertain significance for Mucopolysaccharidosis type 1. Last evaluated: 2022-07-23. Review status: criteria provided, single submitter. Criteria: Invitae Variant Classification Sherloc (09022015). Collection method: clinical testing. Allele origin: germline.
Comment: This sequence change replaces proline, which is neutral and non-polar, with serine, which is neutral and polar, at codon 21 of the IDUA protein (p.Pro21Ser). Information on the frequency of this variant in the gnomAD database is not available, as this variant may be reported differently in the database. This variant has not been reported in the literature in individuals affected with IDUA-related conditions. Experimental studies and prediction algorithms are not available or were not evaluated, and the functional significance of this variant is currently unknown. In summary, the available evidence is currently insufficient to determine the role of this variant in disease. Therefore, it has been classified as a Variant of Uncertain Significance.

NM_000203.5(IDUA):c.60_61delinsAT (p.Pro21Ser)

Genes: IDUA (alpha-L-iduronidase; plus strand), SLC26A1 (solute carrier family 26 member 1; minus strand). Cytogenetic location: 4p16.3.
Variant type: Indel.
Coding change: c.60_61delinsAT on transcript NM_000203.5 (MANE Select); coding-DNA positions 60 to 61, GC replaced by AT.
Protein change: p.Pro21Ser; replaces proline 21 with serine.
Molecular consequence: missense variant. On other transcripts: non-coding transcript variant (1), intron variant (1).
Genome position (GRCh38, 1-based): chr4:987,144-987,145, GC replaced by AT. VCF-style: chr4-987144-GC-AT. GRCh37 (hg19) VCF-style: chr4-980932-GC-AT.
Other names: c.576+3983_576+3984delinsAT (NM_134425.4); short protein forms P21S.
Identifiers: ClinVar variation 2155763 (VCV002155763.1), dbSNP rs2534003556, ClinGen allele CA2580071758.